The following is an entry in ClinVar:

NM_025114.4(CEP290):c.381del (p.Asp128fs)

Gene: CEP290 (centrosomal protein 290; minus strand). Cytogenetic location: 12q21.32.
Variant type: Deletion.
Coding change: c.381del on transcript NM_025114.4 (MANE Select); coding-DNA position 381, one base deleted (A; older notation c.381delA).
Protein change: p.Asp128fs; shifts the reading frame from aspartic acid 128.
Molecular consequence: frameshift variant.
Genome position (GRCh38, 1-based): chr12:88,136,703, T deleted on the plus strand (A on the coding strand, the reverse complement: CEP290 is on the minus strand); the first of 5 consecutive T bases (chr12:88,136,703-88,136,707); deleting any one gives the same sequence. VCF-style (leftmost placement, unchanged base first): chr12-88136702-CT-C. GRCh37 (hg19) VCF-style: chr12-88530479-CT-C.
Other names: short protein forms D128fs.
Identifiers: ClinVar variation 1213968 (VCV001213968.3), dbSNP rs1295893226, ClinGen allele CA693103051.
Genomic context (GRCh38, chr12:88,136,702, plus strand): 5'-CTTGCTCATTAACTTTCTTCTCTTTCTCCAACTCCTTTTCCATGTCCTCCAATTCTCTAT[CT>C]TTTTGTTCTAATTGTTTTTCAAGTTGGCAAATTTCATTACGTAAAAACCGAGTATCTCGT-3'

ClinVar aggregate classification (germline): Pathogenic. Review status: criteria provided, multiple submitters, no conflicts (2 of 4 stars). 2 submissions from 2 submitters: Pathogenic (2). Last evaluated 2026-02-23.

Conditions:
CEP290-related ciliopathy. Also called: CEP290 ciliopathy. Identifiers: MedGen CN305601, MONDO:0100451.
Retinitis pigmentosa (RP). Identifiers: Orphanet 791, MedGen C0035334, MeSH D012174, MONDO:0019200, OMIM 268000. Inheritance: Autosomal dominant, autosomal recessive and X linked inheritance.

Submissions (2):

Myriad Genetics, Inc.
Classification: Pathogenic for CEP290-related ciliopathy. Last evaluated: 2026-02-23. Review status: criteria provided, single submitter. Criteria: Myriad Autosomal Dominant, Autosomal Recessive and X-Linked Classification Criteria (2023). Collection method: clinical testing. Allele origin: unknown.
Comment: NM_025114.3(CEP290):c.381delA(D128Ifs*35) is expected to be pathogenic in the context of CEP290-related disorders. This variant is predicted to lead to an abnormal or absent protein product due to the creation of a premature termination codon in CEP290, a gene where loss-of-function variants are known to be pathogenic. Please note: this variant was assessed in the context of healthy population screening.

DBGen Ocular Genomics
Classification: Pathogenic for Retinitis pigmentosa. Last evaluated: 2021-06-01. Review status: criteria provided, single submitter. Criteria: ACMG Guidelines, 2015. Collection method: clinical testing. Allele origin: germline. Affected: yes. Observed: 1 variant allele.